The following is an entry in ClinVar:

NM_004385.5(VCAN):c.5428A>G (p.Ser1810Gly)

Genes: VCAN (versican; plus strand), VCAN-AS1 (VCAN antisense RNA 1; minus strand). Cytogenetic location: 5q14.3.
Variant type: single nucleotide variant.
Coding change: c.5428A>G on transcript NM_004385.5 (MANE Select); coding-DNA position 5428, A replaced by G.
Protein change: p.Ser1810Gly; replaces serine 1810 with glycine.
Molecular consequence: missense variant. On other transcripts: intron variant (2).
Genome position (GRCh38, 1-based): chr5:83,538,431, A>G. VCF-style: chr5-83538431-A-G. GRCh37 (hg19) VCF-style: chr5-82834250-A-G.
Other names: c.2467A>G, p.Ser823Gly (NM_001164097.2); c.4004-7106A>G (NM_001164098.2); c.1043-7106A>G (NM_001126336.3); short protein forms S823G, S1810G.
Identifiers: ClinVar variation 2105340 (VCV002105340.4), dbSNP rs2479108321, ClinGen allele CA360310393.

ClinVar aggregate classification (germline): Uncertain significance (1 of 4 stars; one submission).

Allele frequency attached by ClinVar (database versions not stated): gnomAD exomes below 0.00001.
gnomAD v4.1: 1 of 1,614,076 alleles (0.000062%); highest among the groups gnomAD compares: Non-Finnish European, 0.000085%; no homozygotes.

Submission:

Labcorp Genetics (formerly Invitae), Labcorp
Classification: Uncertain significance. Last evaluated: 2022-03-01. Review status: criteria provided, single submitter. Criteria: Invitae Variant Classification Sherloc (09022015). Collection method: clinical testing. Allele origin: germline.
Comment: In summary, the available evidence is currently insufficient to determine the role of this variant in disease. Therefore, it has been classified as a Variant of Uncertain Significance. Algorithms developed to predict the effect of missense changes on protein structure and function are either unavailable or do not agree on the potential impact of this missense change (SIFT: "Deleterious"; PolyPhen-2: "Benign"; Align-GVGD: "Class C55"). This variant has not been reported in the literature in individuals affected with VCAN-related conditions. This variant is not present in population databases (gnomAD no frequency). This sequence change replaces serine, which is neutral and polar, with glycine, which is neutral and non-polar, at codon 1810 of the VCAN protein (p.Ser1810Gly).